The following is an entry in ClinVar:

ClinVar aggregate classification (germline): Uncertain significance (1 of 4 stars; one submission).

Allele frequency attached by ClinVar (database versions not stated): gnomAD exomes below 0.00001.
gnomAD v4.1: 1 of 1,612,622 alleles (0.000062%); highest among the groups gnomAD compares: Admixed American, 0.0017%; no homozygotes.

Submission:

Labcorp Genetics (formerly Invitae), Labcorp
Classification: Uncertain significance. Last evaluated: 2021-12-25. Review status: criteria provided, single submitter. Criteria: Invitae Variant Classification Sherloc (09022015). Collection method: clinical testing. Allele origin: germline.
Comment: This sequence change replaces glycine, which is neutral and non-polar, with alanine, which is neutral and non-polar, at codon 880 of the COL27A1 protein (p.Gly880Ala). This variant is present in population databases (no rsID available, gnomAD 0.003%). This variant has not been reported in the literature in individuals affected with COL27A1-related conditions. Advanced modeling of protein sequence and biophysical properties (such as structural, functional, and spatial information, amino acid conservation, physicochemical variation, residue mobility, and thermodynamic stability) performed at Invitae indicates that this missense variant is expected to disrupt COL27A1 protein function. In summary, the available evidence is currently insufficient to determine the role of this variant in disease. Therefore, it has been classified as a Variant of Uncertain Significance.

NM_032888.4(COL27A1):c.2639G>C (p.Gly880Ala)

Gene: COL27A1 (collagen type XXVII alpha 1 chain; plus strand). Cytogenetic location: 9q32.
Variant type: single nucleotide variant.
Coding change: c.2639G>C on transcript NM_032888.4 (MANE Select); coding-DNA position 2639, G replaced by C.
Protein change: p.Gly880Ala; replaces glycine 880 with alanine.
Molecular consequence: missense variant.
Genome position (GRCh38, 1-based): chr9:114,237,000, G>C. VCF-style: chr9-114237000-G-C. GRCh37 (hg19) VCF-style: chr9-116999280-G-C.
Other names: short protein forms G880A.
Identifiers: ClinVar variation 2187409 (VCV002187409.1), dbSNP rs1187136450, ClinGen allele CA374590013.